The following is an entry in ClinVar:

ClinVar aggregate classification (germline): Pathogenic. Review status: reviewed by expert panel (3 of 4 stars). 3 submissions from 3 submitters: Pathogenic (1). 2 of the submissions do not count toward it. Last evaluated 2025-05-02.

Conditions:
Mucopolysaccharidosis type 1. Also called: Mucopolysaccharidosis Type I; IDUA deficiency; MPS I. Identifiers: Orphanet 579, MedGen C0023786, MONDO:0001586.

Submissions (3):

ClinGen Lysosomal Storage Disorder Variant Curation Expert Panel
Classification: Pathogenic for Mucopolysaccharidosis type 1. Last evaluated: 2025-05-02. Review status: reviewed by expert panel. Criteria: ClinGen LSD ACMG Specifications IDUA V1.0.0. Collection method: curation. Allele origin: germline. Inheritance: Autosomal recessive inheritance.
Comment: The NM_000203.5:c.1750C>T (p.Gln584Ter) variant in IDUA is a nonsense variant predicted to cause a premature stop codon in biologically-relevant-exon 13/14 leading to nonsense mediated decay in a gene in which loss-of-function is an established disease mechanism. Note that although a premature stop codon is predicted to occur in the penultimate exon of the gene, it is upstream from the last 50 bp of the exon, and thus NMD is predicted to occur. When cDNA containing the variant was expressed in COS cells, there was 0% IDUA activity compared to wild type, educed mRNA, and no protein on Western blot (PMID: 12189649) (PVS1). This variant is not in gnomAD v4.1.0 (PM2_Supporting). The variant has been reported in two patients (one Indian, one Taiwanese) with severe MPS I (Hurler syndrome). The other patient is compound heterozygous for the variant and c.46_57del. The allelic data from this patient has been used in the classification of c.46_57del and is not included here to avoid circular logic. Total points = 0.5 (PM3_Supporting). In summary, the variant meets the criteria to be classified as pathogenic for mucopolysaccharidosis type I. IDUA-specific ACMG-AMP criteria applied, as specified by the ClinGen Lysosomal Diseases VCEP (Specifications Version 1.0.0.): PVS1, PM2_Supporting, PM3_Supporting. (Classification approved by the ClinGen Lysosomal Diseases Variant Curation Expert Panel on May 2, 2025)

Natera, Inc.
Classification: Pathogenic for Mucopolysaccharidosis type I. Last evaluated: 2024-04-01. Review status: criteria provided, single submitter. Criteria: Natera Variant Classification Schema (03/2026). Collection method: clinical testing. Allele origin: germline. Not counted in ClinVar's aggregate classification.
Comment: The c.1750C>T variant in IDUA is a nonsense variant predicted to introduce a stop codon at amino acid 584. This variant is expected to result in nonsense mediated decay, truncation, or a dysfunctional protein product. This variant is rare in the general population with a frequency below the threshold expected for the associated phenotype(s). This variant has been observed in one or more individuals affected with the associated recessive disease, as either homozygous or compound heterozygous with a second variant (PMID: 33301762). Given the available evidence, this variant is classified as Pathogenic.

Labcorp Genetics (formerly Invitae), Labcorp
Classification: Pathogenic for Mucopolysaccharidosis type 1. Last evaluated: 2024-03-08. Review status: criteria provided, single submitter. Criteria: Invitae Variant Classification Sherloc (09022015). Collection method: clinical testing. Allele origin: germline. Not counted in ClinVar's aggregate classification.
Comment: This sequence change creates a premature translational stop signal (p.Gln584*) in the IDUA gene. It is expected to result in an absent or disrupted protein product. Loss-of-function variants in IDUA are known to be pathogenic (PMID: 11735025, 21480867). This variant is not present in population databases (gnomAD no frequency). This premature translational stop signal has been observed in individual(s) with Hurler syndrome (PMID: 12189649). ClinVar contains an entry for this variant (Variation ID: 846228). For these reasons, this variant has been classified as Pathogenic.

Literature cited by the submitters: PubMed 33301762 (cited by Natera, Inc.); PubMed 11735025 (cited by Labcorp Genetics (formerly Invitae), Labcorp); PubMed 21480867 (cited by Labcorp Genetics (formerly Invitae), Labcorp); PubMed 12189649 (cited by Labcorp Genetics (formerly Invitae), Labcorp).

NM_000203.5(IDUA):c.1750C>T (p.Gln584Ter)

Gene: IDUA (alpha-L-iduronidase; plus strand). Cytogenetic location: 4p16.3.
Variant type: single nucleotide variant.
Coding change: c.1750C>T on transcript NM_000203.5 (MANE Select); coding-DNA position 1750, C replaced by T.
Protein change: p.Gln584Ter; replaces glutamine 584 with a stop codon.
Molecular consequence: nonsense. On other transcripts: non-coding transcript variant (1).
Genome position (GRCh38, 1-based): chr4:1,004,034, C>T. VCF-style: chr4-1004034-C-T. GRCh37 (hg19) VCF-style: chr4-997822-C-T.
Other names: NM_000203.5(IDUA):c.1750C>T; p.Gln584Ter; c.1354C>T, p.Gln452Ter (NM_001363576.1); short protein forms Q584*, Q452*.
Identifiers: ClinVar variation 846228 (VCV000846228.10), dbSNP rs1715290919, ClinGen allele CA355965360.